The following is an entry in ClinVar:

NM_000140.5(FECH):c.314+6A>G

Gene: FECH (ferrochelatase; minus strand). Cytogenetic location: 18q21.31.
Variant type: single nucleotide variant.
Coding change: c.314+6A>G on transcript NM_000140.5 (MANE Select); 6 bases into the intron after coding-DNA position 314, A replaced by G.
Molecular consequence: intron variant.
Genome position (GRCh38, 1-based): chr18:57,573,240, T>C on the plus strand (A>G on the coding strand, the complement: FECH is on the minus strand). VCF-style: chr18-57573240-T-C. GRCh37 (hg19) VCF-style: chr18-55240472-T-C.
Other names: c.314+6A>G (NM_001371094.1, NM_001374778.1); c.332+6A>G (NM_001012515.4); c.98+6A>G (NM_001371095.1).
Identifiers: ClinVar variation 2031565 (VCV002031565.1), dbSNP rs786205246, ClinGen allele CA2580095934.

ClinVar aggregate classification (germline): Uncertain significance (1 of 4 stars; one submission).

Submission:

Labcorp Genetics (formerly Invitae), Labcorp
Classification: Uncertain significance. Last evaluated: 2022-09-21. Review status: criteria provided, single submitter. Criteria: Invitae Variant Classification Sherloc (09022015). Collection method: clinical testing. Allele origin: germline.
Comment: This sequence change falls in intron 3 of the FECH gene. It does not directly change the encoded amino acid sequence of the FECH protein. It affects a nucleotide within the consensus splice site. This variant is not present in population databases (gnomAD no frequency). This variant has not been reported in the literature in individuals affected with FECH-related conditions. Variants that disrupt the consensus splice site are a relatively common cause of aberrant splicing (PMID: 17576681, 9536098). Algorithms developed to predict the effect of sequence changes on RNA splicing suggest that this variant may disrupt the consensus splice site. In summary, the available evidence is currently insufficient to determine the role of this variant in disease. Therefore, it has been classified as a Variant of Uncertain Significance.

Literature cited by the submitters: PubMed 17576681; PubMed 9536098.